The following is an entry in ClinVar:

ClinVar aggregate classification (germline): Uncertain significance. Review status: criteria provided, multiple submitters, no conflicts (2 of 4 stars). 3 submissions from 3 submitters: Uncertain significance (3). Last evaluated 2024-08-16.

Conditions:
Endometrial carcinoma. Also called: Endometrial carcinoma, somatic. Identifiers: MedGen C0476089, MONDO:0002447, OMIM 608089, HP:0012114.
Lynch syndrome. Identifiers: Orphanet 144, MedGen C4552100, MONDO:0005835. Disease mechanism: loss of function.
Mismatch repair cancer syndrome 3. Identifiers: MedGen C5436807, MONDO:0030841, OMIM 619097.
Lynch syndrome 5 (LYNCH5). Also called: Colorectal cancer, hereditary nonpolyposis, type 5; Hereditary non-polyposis colorectal cancer, type 5. Identifiers: Orphanet 144, MedGen C1833477, MONDO:0013710, OMIM 614350. Disease mechanism: loss of function.

Allele frequency attached by ClinVar (database versions not stated): gnomAD exomes below 0.00001; ExAC 0.00001.
gnomAD v4.1: 6 of 1,614,034 alleles (0.00037%); highest among the groups gnomAD compares: South Asian, 0.0011%; no homozygotes.

Submissions (3):

Department of Pathology and Laboratory Medicine, Sinai Health System
Classification: Uncertain significance for Endometrial carcinoma; Lynch syndrome 5; Mismatch repair cancer syndrome 3. Last evaluated: 2024-08-16. Review status: criteria provided, single submitter. Criteria: ACMG Guidelines, 2015. Collection method: clinical testing. Allele origin: germline.

Baylor Genetics
Classification: Uncertain significance for Endometrial carcinoma. Last evaluated: 2023-05-19. Review status: criteria provided, single submitter. Criteria: ACMG Guidelines, 2015. Collection method: clinical testing. Allele origin: unknown.

All of Us Research Program, National Institutes of Health
Classification: Uncertain significance for Lynch syndrome. Last evaluated: 2023-05-16. Review status: criteria provided, single submitter. Criteria: ACMG Guidelines, 2015. Collection method: clinical testing. Allele origin: germline. Inheritance: Autosomal dominant inheritance. Observed: 1 variant allele, 1 heterozygote.
Comment: This missense variant replaces threonine with alanine at codon 488 of the MSH6 protein. Computational prediction suggests that this variant may have deleterious impact on protein structure and function (internally defined REVEL score threshold >= 0.7, PMID: 27666373). To our knowledge, functional studies have not been reported for this variant. This variant has not been reported in individuals affected with MSH6-related disorders in the literature. This variant has been identified in 3/251184 chromosomes in the general population by the Genome Aggregation Database (gnomAD). The available evidence is insufficient to determine the role of this variant in disease conclusively. Therefore, this variant is classified as a Variant of Uncertain Significance.

This study involves interpretation of variants in research participants for the purpose of population health screening. Participant phenotype was not available at the time of variant classification. Additional details can be found in publication PMID: 35346344, PMCID: PMC8962531

NM_000179.3(MSH6):c.1462A>G (p.Thr488Ala)

Gene: MSH6 (mutS homolog 6; plus strand). Cytogenetic location: 2p16.3.
Variant type: single nucleotide variant.
Coding change: c.1462A>G on transcript NM_000179.3 (MANE Select); coding-DNA position 1462, A replaced by G.
Protein change: p.Thr488Ala; replaces threonine 488 with alanine.
Molecular consequence: missense variant. On other transcripts: non-coding transcript variant (4), intron variant (1).
Genome position (GRCh38, 1-based): chr2:47,799,445, A>G. VCF-style: chr2-47799445-A-G. GRCh37 (hg19) VCF-style: chr2-48026584-A-G.
Other names: c.1072A>G, p.Thr358Ala (NM_001281492.2); c.556A>G, p.Thr186Ala (NM_001281493.2, NM_001281494.2, NM_001406811.1 and 6 more transcripts); c.1558A>G, p.Thr520Ala (NM_001406795.1, NM_001406802.1); c.1462A>G, p.Thr488Ala (NM_001406796.1, NM_001406798.1, NM_001406800.1 and 4 more transcripts); c.1165A>G, p.Thr389Ala (NM_001406797.1, NM_001406801.1, NM_001406805.1 and 10 more transcripts); c.937A>G, p.Thr313Ala (NM_001406799.1, NM_001406806.1, NM_001406807.1); c.1384A>G, p.Thr462Ala (NM_001406804.1); c.1468A>G, p.Thr490Ala (NM_001406813.1); and 2 more; short protein forms T186A, T313A, T358A, T389A, T432A, T462A, T488A, T490A.
Identifiers: ClinVar variation 2676814 (VCV002676814.3), dbSNP rs776959327, ClinGen allele CA067704.